The following is an entry in ClinVar:

NM_004360.5(CDH1):c.532-25T>C

Gene: CDH1 (cadherin 1; plus strand). Cytogenetic location: 16q22.1.
Variant type: single nucleotide variant.
Coding change: c.532-25T>C on transcript NM_004360.5 (MANE Select); 25 bases into the intron before coding-DNA position 532, T replaced by C.
Molecular consequence: intron variant.
Genome position (GRCh38, 1-based): chr16:68,808,668, T>C. VCF-style: chr16-68808668-T-C. GRCh37 (hg19) VCF-style: chr16-68842571-T-C.
Other names: c.-1084-25T>C (NM_001317185.2); c.-1288-25T>C (NM_001317186.2); c.532-25T>C (NM_001317184.2).
Identifiers: ClinVar variation 2502920 (VCV002502920.1), dbSNP rs1360937602, ClinGen allele CA723188538.

ClinVar aggregate classification (germline): Uncertain significance (1 of 4 stars; one submission).

Conditions:
Hereditary diffuse gastric adenocarcinoma (HDGC). Also called: DIFFUSE GASTRIC AND LOBULAR BREAST CANCER SYNDROME. Identifiers: Orphanet 26106, MedGen C1708349, MONDO:0007648, OMIM 137215.

Allele frequency attached by ClinVar (database versions not stated): TOPMed below 0.00001; gnomAD exomes 0.00001.
gnomAD v4.1: 7 of 1,613,954 alleles (0.00043%); highest among the groups gnomAD compares: Admixed American, 0.0017%; no homozygotes.

Submission:

European Reference Network on Genetic Tumour Risk Syndromes (ERN-GENTURIS), i3s - Instituto de Investigação e Inovação em Saúde, University of Porto
Classification: Uncertain significance for Hereditary diffuse gastric adenocarcinoma. Last evaluated: 2022-08-01. Review status: criteria provided, single submitter. Criteria: Lee et al. (Hum Mutat. 2018). Collection method: clinical testing. Allele origin: germline. Inheritance: Autosomal dominant inheritance. Affected: no. Study: ERN GENTURIS.
Comment: PM2 (PMID: 30311375)

Literature cited by the submitters: PubMed 36436516.